The following is an entry in ClinVar:

ClinVar aggregate classification (germline): Uncertain significance (1 of 4 stars; one submission).

Conditions:
Inborn genetic diseases. Identifiers: MedGen C0950123, MeSH D030342.

Submission:

Ambry Genetics
Classification: Uncertain significance for Inborn genetic diseases. Last evaluated: 2022-06-11. Review status: criteria provided, single submitter. Criteria: Ambry Variant Classification Scheme 2023. Collection method: clinical testing. Allele origin: germline.
Comment: The p.D798A variant (also known as c.2393A>C), located in coding exon 11 of the ATR gene, results from an A to C substitution at nucleotide position 2393. The aspartic acid at codon 798 is replaced by alanine, an amino acid with dissimilar properties. This amino acid position is conserved. In addition, this alteration is predicted to be tolerated by in silico analysis. Since supporting evidence is limited at this time, the clinical significance of this alteration remains unclear.

NM_001184.4(ATR):c.2393A>C (p.Asp798Ala)

Gene: ATR (ATR checkpoint kinase; minus strand). Cytogenetic location: 3q23.
Variant type: single nucleotide variant.
Coding change: c.2393A>C on transcript NM_001184.4 (MANE Select); coding-DNA position 2393, A replaced by C.
Protein change: p.Asp798Ala; replaces aspartic acid 798 with alanine.
Molecular consequence: missense variant.
Genome position (GRCh38, 1-based): chr3:142,553,964, T>G on the plus strand (A>C on the coding strand, the complement: ATR is on the minus strand). VCF-style: chr3-142553964-T-G. GRCh37 (hg19) VCF-style: chr3-142272806-T-G.
Other names: c.2201A>C, p.Asp734Ala (NM_001354579.2); short protein forms D734A, D798A.
Identifiers: ClinVar variation 1790583 (VCV001790583.2), dbSNP rs759654086, ClinGen allele CA2650366.